The following is an entry in ClinVar:

NM_015294.6(TRIM37):c.1209A>G (p.Val403=)

Gene: TRIM37 (tripartite motif containing 37; minus strand). Cytogenetic location: 17q22.
Variant type: single nucleotide variant.
Coding change: c.1209A>G on transcript NM_015294.6 (MANE Select); coding-DNA position 1209, A replaced by G.
Protein change: p.Val403=; no amino-acid change (valine 403 retained).
Molecular consequence: synonymous variant. On other transcripts: non-coding transcript variant (2).
Genome position (GRCh38, 1-based): chr17:59,051,319, T>C on the plus strand (A>G on the coding strand, the complement: TRIM37 is on the minus strand). VCF-style: chr17-59051319-T-C. GRCh37 (hg19) VCF-style: chr17-57128680-T-C.
Other names: c.1209A>G, p.Val403= (NM_001005207.5, NM_001320988.3, NM_001320989.3 and 1 more transcripts); c.1107A>G, p.Val369= (NM_001320987.3, NM_001353082.2); c.843A>G, p.Val281= (NM_001320990.3); c.474A>G, p.Val158= (NM_001353083.2); c.747A>G, p.Val249= (NM_001353085.2); c.1158A>G, p.Val386= (NM_001353086.2).
Identifiers: ClinVar variation 4535239 (VCV004535239.6).

ClinVar aggregate classification (germline): Likely benign (1 of 4 stars; one submission).

gnomAD v4.1: 1 of 1,609,782 alleles (0.000062%); highest among the groups gnomAD compares: Admixed American, 0.0017%; no homozygotes.

Submission:

CeGaT Center for Human Genetics Tuebingen
Classification: Likely benign. Last evaluated: 2025-11-01. Review status: criteria provided, single submitter. Criteria: CeGaT Center For Human Genetics Tuebingen Variant Classification Criteria Version 2. Collection method: clinical testing. Allele origin: germline. Affected: yes. Observed: 1 variant allele.
Comment: TRIM37: BP4, BP7